The following is an entry in ClinVar:

ClinVar aggregate classification (germline): Pathogenic. Review status: criteria provided, multiple submitters, no conflicts (2 of 4 stars). 2 submissions from 2 submitters: Pathogenic (2). Last evaluated 2023-08-31.

Conditions:
Hereditary cancer-predisposing syndrome. Also called: Tumor predisposition; Hereditary Cancer Syndrome; Hereditary neoplastic syndrome; Neoplastic Syndromes, Hereditary. Identifiers: Orphanet 140162, MedGen C0027672, MeSH D009386, MONDO:0015356.
Lynch syndrome 5 (LYNCH5). Also called: Hereditary non-polyposis colorectal cancer, type 5; Colorectal cancer, hereditary nonpolyposis, type 5. Identifiers: Orphanet 144, MedGen C1833477, MONDO:0013710, OMIM 614350. Disease mechanism: loss of function.

Submissions (2):

Ambry Genetics
Classification: Pathogenic for Hereditary cancer-predisposing syndrome. Last evaluated: 2023-08-31. Review status: criteria provided, single submitter. Criteria: Ambry Variant Classification Scheme 2023. Collection method: clinical testing. Allele origin: germline.
Comment: The c.3059dupA variant, located in coding exon 4 of the MSH6 gene, results from a duplication of A at nucleotide position 3059, causing a translational frameshift with a predicted alternate stop codon (p.N1020Kfs*3). This variant is considered to be rare based on population cohorts in the Genome Aggregation Database (gnomAD). This alteration is expected to result in loss of function by premature protein truncation or nonsense-mediated mRNA decay. As such, this alteration is interpreted as a disease-causing mutation.

Myriad Genetics, Inc.
Classification: Pathogenic for Lynch syndrome 5. Last evaluated: 2023-08-22. Review status: criteria provided, single submitter. Criteria: Myriad Autosomal Dominant, Autosomal Recessive and X-Linked Classification Criteria (2023). Collection method: clinical testing. Allele origin: unknown.
Comment: This variant is considered pathogenic. This variant creates a frameshift predicted to result in premature protein truncation.

NM_000179.3(MSH6):c.3059dup (p.Asn1020fs)

Gene: MSH6 (mutS homolog 6; plus strand). Cytogenetic location: 2p16.3.
Variant type: Duplication.
Coding change: c.3059dup on transcript NM_000179.3 (MANE Select); coding-DNA position 3059, one base duplicated (A; older notation c.3059dupA).
Protein change: p.Asn1020fs; shifts the reading frame from asparagine 1020.
Molecular consequence: frameshift variant. On other transcripts: non-coding transcript variant (5), intron variant (2).
Genome position (GRCh38, 1-based): chr2:47,801,042, A duplicated; the last of 3 consecutive A bases (chr2:47,801,040-47,801,042); duplicating any one gives the same sequence. VCF-style (leftmost placement, unchanged base first): chr2-47801039-T-TA. GRCh37 (hg19) VCF-style: chr2-48028178-T-TA.
Other names: c.2669dup, p.Asn890fs (NM_001281492.2); c.2153dup, p.Asn718fs (NM_001281493.2, NM_001281494.2, NM_001406811.1 and 6 more transcripts); c.3155dup, p.Asn1052fs (NM_001406795.1, NM_001406802.1); c.3059dup, p.Asn1020fs (NM_001406796.1, NM_001406798.1, NM_001406800.1 and 2 more transcripts); c.2762dup, p.Asn921fs (NM_001406797.1, NM_001406801.1, NM_001406805.1 and 10 more transcripts); c.2534dup, p.Asn845fs (NM_001406799.1, NM_001406806.1, NM_001406807.1); c.2981dup, p.Asn994fs (NM_001406804.1); c.3065dup, p.Asn1022fs (NM_001406813.1); and 5 more; short protein forms N1022fs, N890fs, N921fs, N335fs, N718fs, N845fs, N1020fs, N1052fs.
Identifiers: ClinVar variation 2587351 (VCV002587351.3), dbSNP rs2530710629, ClinGen allele CA2582342376.